The following is an entry in ClinVar:

ClinVar aggregate classification (germline): Uncertain significance. Review status: criteria provided, multiple submitters, no conflicts (2 of 4 stars). 2 submissions from 2 submitters: Uncertain significance (2). Last evaluated 2024-04-18.

Conditions:
Charcot-Marie-Tooth disease axonal type 2P. Also called: CHARCOT-MARIE-TOOTH NEUROPATHY, TYPE 2P; Charcot-Marie-Tooth Neuropathy Type 2G; CHARCOT-MARIE-TOOTH DISEASE, AXONAL, TYPE 2G; CMT 2G. Identifiers: Orphanet 300319, Orphanet 99941, MedGen C3280797, MONDO:0013753, OMIM 614436.

Allele frequency attached by ClinVar (database versions not stated): gnomAD exomes below 0.00001; TOPMed below 0.00001.
gnomAD v4.1: 2 of 1,613,440 alleles (0.00012%); highest among the groups gnomAD compares: Non-Finnish European, 0.00017%; no homozygotes.

Submissions (2):

Labcorp Genetics (formerly Invitae), Labcorp
Classification: Uncertain significance for Charcot-Marie-Tooth disease axonal type 2P. Last evaluated: 2024-04-18. Review status: criteria provided, single submitter. Criteria: Invitae Variant Classification Sherloc (09022015). Collection method: clinical testing. Allele origin: germline.
Comment: This sequence change replaces serine, which is neutral and polar, with proline, which is neutral and non-polar, at codon 499 of the LRSAM1 protein (p.Ser499Pro). This variant is not present in population databases (gnomAD no frequency). This variant has not been reported in the literature in individuals affected with LRSAM1-related conditions. An algorithm developed to predict the effect of missense changes on protein structure and function (PolyPhen-2) suggests that this variant is likely to be tolerated. In summary, the available evidence is currently insufficient to determine the role of this variant in disease. Therefore, it has been classified as a Variant of Uncertain Significance.

Blueprint Genetics
Classification: Uncertain significance. Last evaluated: 2023-10-20. Review status: criteria provided, single submitter. Criteria: ACMG Guidelines, 2015. Collection method: clinical testing. Allele origin: germline.

NM_001005373.4(LRSAM1):c.1495T>C (p.Ser499Pro)

Gene: LRSAM1 (leucine rich repeat and sterile alpha motif containing 1; plus strand). Cytogenetic location: 9q33.3.
Variant type: single nucleotide variant.
Coding change: c.1495T>C on transcript NM_001005373.4 (MANE Select); coding-DNA position 1495, T replaced by C.
Protein change: p.Ser499Pro; replaces serine 499 with proline.
Molecular consequence: missense variant. On other transcripts: non-coding transcript variant (2), intron variant (1).
Genome position (GRCh38, 1-based): chr9:127,491,287, T>C. VCF-style: chr9-127491287-T-C. GRCh37 (hg19) VCF-style: chr9-130253566-T-C.
Other names: c.1495T>C, p.Ser499Pro (NM_001005374.4, NM_001384142.1, NM_001384143.1 and 1 more transcripts); c.706T>C, p.Ser236Pro (NM_001384144.1); c.1423-1515T>C (NM_001190723.3); short protein forms S499P, S236P.
Identifiers: ClinVar variation 2879354 (VCV002879354.4), dbSNP rs1323239861, ClinGen allele CA374934192.